The following is an entry in ClinVar:

ClinVar aggregate classification (germline): Uncertain significance. Review status: criteria provided, multiple submitters, no conflicts (2 of 4 stars). 2 submissions from 2 submitters: Uncertain significance (2). Last evaluated 2025-08-14.

Conditions:
Hereditary cancer-predisposing syndrome. Also called: Hereditary neoplastic syndrome; Tumor predisposition; Neoplastic Syndromes, Hereditary; Hereditary Cancer Syndrome. Identifiers: Orphanet 140162, MedGen C0027672, MeSH D009386, MONDO:0015356.
Ataxia-telangiectasia syndrome (AT). Also called: ATAXIA-TELANGIECTASIA, COMPLEMENTATION GROUP A; ATAXIA-TELANGIECTASIA, FRESNO VARIANT; LOUIS-BAR SYNDROME; Ataxia-telangiectasia; Cerebello-oculocutaneous telangiectasia; Immunodeficiency with ataxia telangiectasia. Identifiers: Orphanet 100, MedGen C0004135, MONDO:0008840, OMIM 208900.

Submissions (2):

Ambry Genetics
Classification: Uncertain significance for Hereditary cancer-predisposing syndrome. Last evaluated: 2025-08-14. Review status: criteria provided, single submitter. Criteria: Ambry Variant Classification Scheme 2023. Collection method: clinical testing. Allele origin: germline.
Comment: The c.872_874delATC variant (also known as p.H291del) is located in coding exon 6 of the ATM gene. This variant results from an in-frame ATC deletion at nucleotide positions 872 to 874. This results in the in-frame deletion of a histidine at codon 291. This amino acid position is highly conserved in available vertebrate species. In addition, this variant is predicted to be deleterious by in silico analysis (Choi Y et al. PLoS ONE. 2012; 7(10):e46688). Based on the available evidence, the clinical significance of this variant remains unclear.

Labcorp Genetics (formerly Invitae), Labcorp
Classification: Uncertain significance for Ataxia-telangiectasia syndrome. Last evaluated: 2021-02-14. Review status: criteria provided, single submitter. Criteria: Invitae Variant Classification Sherloc (09022015). Collection method: clinical testing. Allele origin: germline.
Comment: In summary, the available evidence is currently insufficient to determine the role of this variant in disease. Therefore, it has been classified as a Variant of Uncertain Significance. Experimental studies and prediction algorithms are not available or were not evaluated, and the functional significance of this variant is currently unknown. This variant has not been reported in the literature in individuals with ATM-related conditions. This variant is not present in population databases (ExAC no frequency). This variant, c.872_874del, results in the deletion of 1 amino acid(s) of the ATM protein (p.His291del), but otherwise preserves the integrity of the reading frame.

NM_000051.4(ATM):c.869ATC[1] (p.His291del)

Gene: ATM (ATM serine/threonine kinase; plus strand). Cytogenetic location: 11q22.3.
Variant type: Microsatellite.
Coding change: c.869ATC[1] on transcript NM_000051.4 (MANE Select); one copy of the 3-base unit ATC starting at c.869; the reference has two copies in a row; one copy, 3 bases deleted.
Protein change: p.His291del; deletes histidine 291.
Molecular consequence: inframe deletion.
Genome position (GRCh38, 1-based): chr11:108,244,997-108,244,999, ATC deleted; deleting any 3 consecutive bases within chr11:108,244,993-108,244,999 gives the same sequence; the position shown is the placement nearest the transcript's 3' end. VCF-style (leftmost placement, unchanged base first): chr11-108244992-CCAT-C. GRCh37 (hg19) VCF-style: chr11-108115719-CCAT-C.
Other names: c.872_874delATC (NM_000051.3); c.869ATC[1], p.His291del (NM_001351834.2); short protein forms H291del.
Identifiers: ClinVar variation 1475315 (VCV001475315.9), dbSNP rs2135243288, ClinGen allele CA2580616429.
Genomic context (GRCh38, chr11:108,244,992, plus strand): 5'-TAGGCTTAATGATTCTTTAAAAGAAGTCATTATTGAATTATTTCAACTGCAAATTTATAT[CCAT>C]CATCCGAAAGGAGCCAAAACCCAAGAAAAAGGTATAAAGGAAATGTTTACTGTTTTGAAT-3'